The following is an entry in ClinVar:

ClinVar aggregate classification (germline): Likely pathogenic (1 of 4 stars; one submission).

Conditions:
Short QT syndrome type 3. Identifiers: Orphanet 51083, MedGen C1865018, MONDO:0012314, OMIM 609622.
Andersen Tawil syndrome (LQT7). Also called: Potassium-sensitive periodic paralysis, ventricular ectopy, and dysmorphic features; ANDERSEN CARDIODYSRHYTHMIC PERIODIC PARALYSIS; LONG QT SYNDROME 7; PERIODIC PARALYSIS, POTASSIUM-SENSITIVE CARDIODYSRHYTHMIC TYPE; Andersen Syndrome. Identifiers: Orphanet 37553, MedGen C1563715, MONDO:0008222, OMIM 170390.

Submission:

Labcorp Genetics (formerly Invitae), Labcorp
Classification: Likely pathogenic for Short QT syndrome type 3; Andersen Tawil syndrome. Last evaluated: 2025-10-07. Review status: criteria provided, single submitter. Criteria: Invitae Variant Classification Sherloc (09022015). Collection method: clinical testing. Allele origin: germline.
Comment: This sequence change replaces proline, which is neutral and non-polar, with arginine, which is basic and polar, at codon 186 of the KCNJ2 protein (p.Pro186Arg). This variant is not present in population databases (gnomAD no frequency). This variant has not been reported in the literature in individuals affected with KCNJ2-related conditions. Invitae Evidence Modeling of protein sequence and biophysical properties (such as structural, functional, and spatial information, amino acid conservation, physicochemical variation, residue mobility, and thermodynamic stability) indicates that this missense variant is expected to disrupt KCNJ2 protein function with a positive predictive value of 95%. This variant disrupts the p.Pro186 amino acid residue in KCNJ2. Other variant(s) that disrupt this residue have been determined to be pathogenic (PMID: 12163457, 22002906, 27145478; internal data). This suggests that this residue is clinically significant, and that variants that disrupt this residue are likely to be disease-causing. In summary, the currently available evidence indicates that the variant is pathogenic, but additional data are needed to prove that conclusively. Therefore, this variant has been classified as Likely Pathogenic.

Literature cited by the submitters: PubMed 12163457; PubMed 22002906; PubMed 27145478.

NM_000891.3(KCNJ2):c.557C>G (p.Pro186Arg)

Gene: KCNJ2 (potassium inwardly rectifying channel subfamily J member 2; plus strand). Cytogenetic location: 17q24.3.
Variant type: single nucleotide variant.
Coding change: c.557C>G on transcript NM_000891.3 (MANE Select); coding-DNA position 557, C replaced by G.
Protein change: p.Pro186Arg; replaces proline 186 with arginine.
Molecular consequence: missense variant.
Genome position (GRCh38, 1-based): chr17:70,175,596, C>G. VCF-style: chr17-70175596-C-G. GRCh37 (hg19) VCF-style: chr17-68171737-C-G.
Other names: short protein forms P186R.
Identifiers: ClinVar variation 4783746 (VCV004783746.1).